The following is an entry in ClinVar:

NM_001048174.2(MUTYH):c.118C>G (p.Leu40Val)

Gene: MUTYH (mutY DNA glycosylase; minus strand). Cytogenetic location: 1p34.1.
Variant type: single nucleotide variant.
Coding change: c.118C>G on transcript NM_001048174.2 (MANE Select); coding-DNA position 118, C replaced by G.
Protein change: p.Leu40Val; replaces leucine 40 with valine.
Molecular consequence: missense variant. On other transcripts: non-coding transcript variant (5), intron variant (5), 5 prime UTR variant (1).
Genome position (GRCh38, 1-based): chr1:45,333,559, G>C on the plus strand (C>G on the coding strand, the complement: MUTYH is on the minus strand). VCF-style: chr1-45333559-G-C. GRCh37 (hg19) VCF-style: chr1-45799231-G-C.
Other names: c.-92-62C>G (NM_001350651.2, NM_001407082.1); c.-97-62C>G (NM_001293192.2, NM_001293196.2, NM_001407091.1); c.121C>G, p.Leu41Val (NM_001407079.1, NM_001407086.1, NM_001407071.1 and 2 more transcripts); c.118C>G, p.Leu40Val (NM_001407080.1, NM_001407081.1, NM_001407088.1 and 6 more transcripts); c.160C>G, p.Leu54Val (NM_001407083.1, NM_001407085.1, NM_001407073.1); c.139C>G, p.Leu47Val (NM_001407087.1); c.193C>G, p.Leu65Val (NM_012222.3, NM_001407069.1); c.34C>G, p.Leu12Val (NM_001407075.1); and 4 more; short protein forms L41V, L68V, L51V, L55V, L12V, L40V, L54V, L65V.
Identifiers: ClinVar variation 4113496 (VCV004113496.1).

ClinVar aggregate classification (germline): Uncertain significance (1 of 4 stars; one submission).

Conditions:
Hereditary cancer-predisposing syndrome. Also called: Hereditary neoplastic syndrome; Neoplastic Syndromes, Hereditary; Tumor predisposition; Hereditary Cancer Syndrome. Identifiers: Orphanet 140162, MedGen C0027672, MeSH D009386, MONDO:0015356.

Submission:

Ambry Genetics
Classification: Uncertain significance for Hereditary cancer-predisposing syndrome. Last evaluated: 2025-08-27. Review status: criteria provided, single submitter. Criteria: Ambry Variant Classification Scheme 2023. Collection method: clinical testing. Allele origin: germline.
Comment: The p.L68V variant (also known as c.202C>G), located in coding exon 3 of the MUTYH gene, results from a C to G substitution at nucleotide position 202. The leucine at codon 68 is replaced by valine, an amino acid with highly similar properties. This amino acid position is conserved. In addition, this alteration is predicted to be tolerated by in silico analysis. Based on the available evidence, the clinical significance of this variant remains unclear.